The following is an entry in ClinVar:

NM_014915.3(ANKRD26):c.500T>G (p.Leu167Trp)

Gene: ANKRD26 (ankyrin repeat domain containing 26; minus strand). Cytogenetic location: 10p12.1.
Variant type: single nucleotide variant.
Coding change: c.500T>G on transcript NM_014915.3 (MANE Select); coding-DNA position 500, T replaced by G.
Protein change: p.Leu167Trp; replaces leucine 167 with tryptophan.
Molecular consequence: missense variant.
Genome position (GRCh38, 1-based): chr10:27,093,380, A>C on the plus strand (T>G on the coding strand, the complement: ANKRD26 is on the minus strand). VCF-style: chr10-27093380-A-C. GRCh37 (hg19) VCF-style: chr10-27382309-A-C.
Other names: c.500T>G, p.Leu167Trp (NM_001256053.2); short protein forms L167W.
Identifiers: ClinVar variation 3914418 (VCV003914418.1).

ClinVar aggregate classification (germline): Uncertain significance (1 of 4 stars; one submission).

Conditions:
Inborn genetic diseases. Identifiers: MedGen C0950123, MeSH D030342.

gnomAD v4.1: 1 of 1,614,172 alleles (0.000062%); highest among the groups gnomAD compares: Non-Finnish European, 0.000085%; no homozygotes.

Submission:

Ambry Genetics
Classification: Uncertain significance for Inborn genetic diseases. Last evaluated: 2025-05-15. Review status: criteria provided, single submitter. Criteria: Ambry Variant Classification Scheme 2023. Collection method: clinical testing. Allele origin: germline.
Comment: The p.L167W variant (also known as c.500T>G), located in coding exon 3 of the ANKRD26 gene, results from a T to G substitution at nucleotide position 500. The leucine at codon 167 is replaced by tryptophan, an amino acid with similar properties. This amino acid position is conserved. In addition, this alteration is predicted to be tolerated by in silico analysis. Based on the available evidence, the clinical significance of this variant remains unclear.